The following is an entry in ClinVar:

NM_032634.4(PIGO):c.2741C>T (p.Ala914Val)

Gene: PIGO (phosphatidylinositol glycan anchor biosynthesis class O; minus strand). Cytogenetic location: 9p13.3.
Variant type: single nucleotide variant.
Coding change: c.2741C>T on transcript NM_032634.4 (MANE Select); coding-DNA position 2741, C replaced by T.
Protein change: p.Ala914Val; replaces alanine 914 with valine.
Molecular consequence: missense variant.
Genome position (GRCh38, 1-based): chr9:35,090,579, G>A on the plus strand (C>T on the coding strand, the complement: PIGO is on the minus strand). VCF-style: chr9-35090579-G-A. GRCh37 (hg19) VCF-style: chr9-35090576-G-A.
Other names: c.1490C>T, p.Ala497Val (NM_001201484.2, NM_152850.4); short protein forms A497V, A914V.
Identifiers: ClinVar variation 1961818 (VCV001961818.6), dbSNP rs1029569722, ClinGen allele CA192708832.

ClinVar aggregate classification (germline): Uncertain significance. Review status: criteria provided, multiple submitters, no conflicts (2 of 4 stars). 2 submissions from 2 submitters: Uncertain significance (2). Last evaluated 2024-04-12.

Conditions:
Hyperphosphatasia with impaired intellectual development syndrome 2. Also called: GLYCOSYLPHOSPHATIDYLINOSITOL BIOSYNTHESIS DEFECT 6; Hyperphosphatasia with intellectual disability syndrome 2. Identifiers: Orphanet 247262, MedGen C3553637, MONDO:0013882, OMIM 614749.

Allele frequency attached by ClinVar (database versions not stated): gnomAD exomes 0.00002.
gnomAD v4.1: 33 of 1,614,244 alleles (0.002%); highest among the groups gnomAD compares: Non-Finnish European, 0.0026%; no homozygotes.

Submissions (2):

Blueprint Genetics
Classification: Uncertain significance. Last evaluated: 2024-04-12. Review status: criteria provided, single submitter. Criteria: ACMG Guidelines, 2015. Collection method: clinical testing. Allele origin: germline.

Labcorp Genetics (formerly Invitae), Labcorp
Classification: Uncertain significance for Hyperphosphatasia with impaired intellectual development syndrome 2. Last evaluated: 2023-09-11. Review status: criteria provided, single submitter. Criteria: Invitae Variant Classification Sherloc (09022015). Collection method: clinical testing. Allele origin: germline.
Comment: ClinVar contains an entry for this variant (Variation ID: 1961818). In summary, the available evidence is currently insufficient to determine the role of this variant in disease. Therefore, it has been classified as a Variant of Uncertain Significance. Advanced modeling of protein sequence and biophysical properties (such as structural, functional, and spatial information, amino acid conservation, physicochemical variation, residue mobility, and thermodynamic stability) performed at Invitae indicates that this missense variant is expected to disrupt PIGO protein function. This variant has not been reported in the literature in individuals affected with PIGO-related conditions. This variant is present in population databases (no rsID available, gnomAD 0.0009%). This sequence change replaces alanine, which is neutral and non-polar, with valine, which is neutral and non-polar, at codon 914 of the PIGO protein (p.Ala914Val).